The following is an entry in ClinVar:

ClinVar aggregate classification (germline): Uncertain significance (1 of 4 stars; one submission).

Conditions:
ACTL6B-related disorder. Also called: ACTL6B-related condition.

Allele frequency attached by ClinVar (database versions not stated): gnomAD exomes below 0.00001.
gnomAD v4.1: 1 of 1,614,072 alleles (0.000062%); highest among the groups gnomAD compares: Non-Finnish European, 0.000085%; no homozygotes.

Submission:

PreventionGenetics, part of Exact Sciences
Classification: Uncertain significance for ACTL6B-related condition. Last evaluated: 2022-11-19. Review status: criteria provided, single submitter. Criteria: ACMG Guidelines, 2015. Collection method: clinical testing. Allele origin: germline.
Comment: The ACTL6B c.562+5G>A variant is predicted to interfere with splicing. Based on available splicing prediction programs (Alamut Visual Plus v1.6.1) this variant is predicted to weaken the consensus GT donor site and interfere with splicing; however, to date this prediction has not been proven by functional studies. To our knowledge, this variant has not been reported in the literature or in a large population database, indicating this variant is rare. At this time, the clinical significance of this variant is uncertain due to the absence of conclusive functional and genetic evidence.

NM_016188.5(ACTL6B):c.562+5G>A

Gene: ACTL6B (actin like 6B; minus strand). Cytogenetic location: 7q22.1.
Variant type: single nucleotide variant.
Coding change: c.562+5G>A on transcript NM_016188.5 (MANE Select); 5 bases into the intron after coding-DNA position 562, G replaced by A.
Molecular consequence: intron variant.
Genome position (GRCh38, 1-based): chr7:100,648,724, C>T on the plus strand (G>A on the coding strand, the complement: ACTL6B is on the minus strand). VCF-style: chr7-100648724-C-T. GRCh37 (hg19) VCF-style: chr7-100246347-C-T.
Identifiers: ClinVar variation 2635147 (VCV002635147.1), dbSNP rs2486160950, ClinGen allele CA2684115156.